The following is an entry in ClinVar:

ClinVar aggregate classification (germline): Conflicting classifications of pathogenicity. Review status: criteria provided, conflicting classifications (1 of 4 stars). 3 submissions from 3 submitters: Pathogenic (1); Uncertain significance (1). 1 of the submissions does not count toward it. Last evaluated 2024-10-10.

Conditions:
Saethre-Chotzen syndrome (SCS). Also called: ACROCEPHALY, SKULL ASYMMETRY, AND MILD SYNDACTYLY; ACS III; CHOTZEN SYNDROME. Identifiers: Orphanet 794, MedGen C0175699, MONDO:0007042, OMIM 101400.
TWIST1-related craniosynostosis (CRS1). Also called: CRANIOSYNOSTOSIS 1. Identifiers: Orphanet 63440, MedGen C4551902, MONDO:0007399, OMIM 123100. Inheritance: Heterogenous inheritance pattern.

Submissions (3):

Labcorp Genetics (formerly Invitae), Labcorp
Classification: Pathogenic for TWIST1-related craniosynostosis; Saethre-Chotzen syndrome. Last evaluated: 2024-10-10. Review status: criteria provided, single submitter. Criteria: Invitae Variant Classification Sherloc (09022015). Collection method: clinical testing. Allele origin: germline.
Comment: This sequence change replaces arginine, which is basic and polar, with cysteine, which is neutral and slightly polar, at codon 120 of the TWIST1 protein (p.Arg120Cys). This variant is not present in population databases (gnomAD no frequency). This missense change has been observed in individual(s) with craniosynostosis and Saethre-Chotzen syndrome (PMID: 15923834, 18391498; internal data). In at least one individual the variant was observed to be de novo. ClinVar contains an entry for this variant (Variation ID: 652940). An algorithm developed to predict the effect of missense changes on protein structure and function (PolyPhen-2) suggests that this variant is likely to be disruptive. This variant disrupts the p.Arg120 amino acid residue in TWIST1. Other variant(s) that disrupt this residue have been observed in individuals with TWIST1-related conditions (PMID: 10649491), which suggests that this may be a clinically significant amino acid residue. For these reasons, this variant has been classified as Pathogenic.

GeneDx
Classification: Uncertain significance. Last evaluated: 2019-04-29. Review status: criteria provided, single submitter. Criteria: GeneDx Variant Classification Process June 2021. Collection method: clinical testing. Allele origin: germline. Affected: yes.
Comment: Not observed at a significant frequency in large population cohorts (Lek et al., 2016); In silico analysis, which includes protein predictors and evolutionary conservation, supports a deleterious effect; This variant is associated with the following publications: (PMID: 15923834)

Zotz-Klimas Genetics Lab, MVZ Zotz Klimas
Classification: Pathogenic for TWIST1-related craniosynostosis. Last evaluated: 2023-11-24. Review status: no assertion criteria provided. Collection method: clinical testing. Allele origin: germline. Affected: yes. Not counted in ClinVar's aggregate classification.

Literature cited by the submitters: PubMed 15923834 (cited by Labcorp Genetics (formerly Invitae), Labcorp); PubMed 18391498 (cited by Labcorp Genetics (formerly Invitae), Labcorp); PubMed 10649491 (cited by Labcorp Genetics (formerly Invitae), Labcorp).

NM_000474.4(TWIST1):c.358C>T (p.Arg120Cys)

Gene: TWIST1 (twist family bHLH transcription factor 1; minus strand). Cytogenetic location: 7p21.1.
Variant type: single nucleotide variant.
Coding change: c.358C>T on transcript NM_000474.4 (MANE Select); coding-DNA position 358, C replaced by T.
Protein change: p.Arg120Cys; replaces arginine 120 with cysteine.
Molecular consequence: missense variant. On other transcripts: non-coding transcript variant (1).
Genome position (GRCh38, 1-based): chr7:19,116,964, G>A on the plus strand (C>T on the coding strand, the complement: TWIST1 is on the minus strand). VCF-style: chr7-19116964-G-A. GRCh37 (hg19) VCF-style: chr7-19156587-G-A.
Other names: short protein forms R120C.
Identifiers: ClinVar variation 652940 (VCV000652940.13), dbSNP rs1233220987, ClinGen allele CA367015607.